The following is an entry in ClinVar:

NM_020247.5(COQ8A):c.641T>G (p.Leu214Arg)

Gene: COQ8A (coenzyme Q8A; plus strand). Cytogenetic location: 1q42.13.
Variant type: single nucleotide variant.
Coding change: c.641T>G on transcript NM_020247.5 (MANE Select); coding-DNA position 641, T replaced by G.
Protein change: p.Leu214Arg; replaces leucine 214 with arginine.
Molecular consequence: missense variant.
Genome position (GRCh38, 1-based): chr1:226,965,723, T>G. VCF-style: chr1-226965723-T-G. GRCh37 (hg19) VCF-style: chr1-227153424-T-G.
Other names: short protein forms L214R.
Identifiers: ClinVar variation 1364332 (VCV001364332.8), dbSNP rs371870568, ClinGen allele CA345050784.

ClinVar aggregate classification (germline): Uncertain significance (1 of 4 stars; one submission).

Submission:

Labcorp Genetics (formerly Invitae), Labcorp
Classification: Uncertain significance. Last evaluated: 2024-04-16. Review status: criteria provided, single submitter. Criteria: Invitae Variant Classification Sherloc (09022015). Collection method: clinical testing. Allele origin: germline.
Comment: This sequence change replaces leucine, which is neutral and non-polar, with arginine, which is basic and polar, at codon 214 of the COQ8A protein (p.Leu214Arg). This variant is not present in population databases (gnomAD no frequency). This variant has not been reported in the literature in individuals affected with COQ8A-related conditions. ClinVar contains an entry for this variant (Variation ID: 1364332). Advanced modeling of protein sequence and biophysical properties (such as structural, functional, and spatial information, amino acid conservation, physicochemical variation, residue mobility, and thermodynamic stability) has been performed at Invitae for this missense variant, however the output from this modeling did not meet the statistical confidence thresholds required to predict the impact of this variant on COQ8A protein function. In summary, the available evidence is currently insufficient to determine the role of this variant in disease. Therefore, it has been classified as a Variant of Uncertain Significance.